The following is an entry in ClinVar:

NM_004006.3(DMD):c.4072-118G>A

Gene: DMD (dystrophin; minus strand). Cytogenetic location: Xp21.1.
Variant type: single nucleotide variant.
Coding change: c.4072-118G>A on transcript NM_004006.3 (MANE Select); 118 bases into the intron before coding-DNA position 4072, G replaced by A.
Molecular consequence: intron variant. On other transcripts: synonymous variant (1).
Genome position (GRCh38, 1-based): chrX:32,412,031, C>T on the plus strand (G>A on the coding strand, the complement: DMD is on the minus strand). VCF-style: chrX-32412031-C-T. GRCh37 (hg19) VCF-style: chrX-32430148-C-T.
Other names: c.27G>A, p.Leu9= (NM_004012.4); c.4048-118G>A (NM_000109.4); c.49-118G>A (NM_004011.4); c.4060-118G>A (NM_004009.3); c.3703-118G>A (NM_004010.3).
Identifiers: ClinVar variation 3905172 (VCV003905172.10).

ClinVar aggregate classification (germline): Likely benign (1 of 4 stars; one submission).

Submission:

CeGaT Center for Human Genetics Tuebingen
Classification: Likely benign. Last evaluated: 2025-06-01. Review status: criteria provided, single submitter. Criteria: CeGaT Center For Human Genetics Tuebingen Variant Classification Criteria Version 2. Collection method: clinical testing. Allele origin: germline. Affected: yes. Observed: 1 variant allele.
Comment: DMD: BP4, BP7, BS2